The following is an entry in ClinVar:

ClinVar aggregate classification (germline): Uncertain significance. Review status: criteria provided, multiple submitters, no conflicts (2 of 4 stars). 4 submissions from 4 submitters: Uncertain significance (3). 1 of the submissions does not count toward it. Last evaluated 2026-07-01.

Conditions:
Glycogen storage disease, type II (IOPD). Also called: CARDIOMEGALIA GLYCOGENICA DIFFUSA; GLYCOGENOSIS, GENERALIZED, CARDIAC FORM; GSD II; POMPE DISEASE, INFANTILE-ONSET; GLYCOGEN STORAGE DISEASE II, INFANTILE-ONSET; ACID ALPHA-GLUCOSIDASE DEFICIENCY, INFANTILE-ONSET. Identifiers: Orphanet 365, MedGen C0017921, MONDO:0009290, OMIM 232300.

Allele frequency attached by ClinVar (database versions not stated): ExAC 0.00002; gnomAD exomes 0.00002; gnomAD 0.00003 and 0.00004; TOPMed 0.00004.

Submissions (4):

Genomenon, Inc
Classification: Uncertain significance for Glycogen storage disease, type II. Last evaluated: 2026-07-01. Review status: criteria provided, single submitter. Criteria: Genomenon Sequence Variant Interpretation Standards - Updated. Collection method: curation. Allele origin: germline. Affected: no.
Comment: GAA p.Thr777Met (c.2330C>T) is a missense variant that changes the amino acid at codon 777 from Threonine to Methionine. This variant has been reported in the published literature (PMID:29149851). It is absent or not present at a significant frequency in gnomAD. In silico models predict that this variant is not damaging. In conclusion, we classify GAA p.Thr777Met (c.2330C>T) as a variant of uncertain significance.

Labcorp Genetics (formerly Invitae), Labcorp
Classification: Uncertain significance for Glycogen storage disease, type II. Last evaluated: 2025-01-29. Review status: criteria provided, single submitter. Criteria: Invitae Variant Classification Sherloc (09022015). Collection method: clinical testing. Allele origin: germline.
Comment: This sequence change replaces threonine, which is neutral and polar, with methionine, which is neutral and non-polar, at codon 777 of the GAA protein (p.Thr777Met). This variant is present in population databases (rs746779016, gnomAD 0.007%). This missense change has been observed in individual(s) with limb-girdle muscle weakness and/or elevated serum creatine kinase (PMID: 29149851). ClinVar contains an entry for this variant (Variation ID: 325793). An algorithm developed to predict the effect of missense changes on protein structure and function outputs the following: PolyPhen-2: "Benign". The methionine amino acid residue is found in multiple mammalian species, which suggests that this missense change does not adversely affect protein function. In summary, the available evidence is currently insufficient to determine the role of this variant in disease. Therefore, it has been classified as a Variant of Uncertain Significance.

Genome-Nilou Lab
Classification: Uncertain significance for Glycogen storage disease, type II. Last evaluated: 2021-09-05. Review status: criteria provided, single submitter. Criteria: ACMG Guidelines, 2015. Collection method: clinical testing. Allele origin: germline. Affected: no.

Natera, Inc.
Classification: Uncertain significance for Glycogen storage disease type II. Last evaluated: 2020-03-31. Review status: no assertion criteria provided. Collection method: clinical testing. Allele origin: germline. Not counted in ClinVar's aggregate classification.

Literature cited by the submitters: PubMed 29149851 (cited by Genomenon, Inc and Labcorp Genetics (formerly Invitae), Labcorp).

NM_000152.5(GAA):c.2330C>T (p.Thr777Met)

Gene: GAA (alpha glucosidase; plus strand). Cytogenetic location: 17q25.3.
Variant type: single nucleotide variant.
Coding change: c.2330C>T on transcript NM_000152.5 (MANE Select); coding-DNA position 2330, C replaced by T.
Protein change: p.Thr777Met; replaces threonine 777 with methionine.
Molecular consequence: missense variant.
Genome position (GRCh38, 1-based): chr17:80,117,108, C>T. VCF-style: chr17-80117108-C-T. GRCh37 (hg19) VCF-style: chr17-78090907-C-T.
Other names: c.2330C>T (LRG_673t1); c.2330C>T, p.Thr777Met (NM_001079803.3, NM_001079804.3); short protein forms T777M.
Identifiers: ClinVar variation 325793 (VCV000325793.15), dbSNP rs746779016, ClinGen allele CA8815689.